The following is an entry in ClinVar:

ClinVar aggregate classification (germline): Benign/Likely benign. Review status: criteria provided, multiple submitters, no conflicts (2 of 4 stars). 4 submissions from 4 submitters: Benign (1); Likely benign (3). Last evaluated 2025-09-23.

Conditions:
Birt-Hogg-Dube syndrome 1 (BHD1). Also called: FIBROFOLLICULOMAS WITH TRICHODISCOMAS AND ACROCHORDONS. Identifiers: Orphanet 122, MedGen CN375946, MONDO:0800445, OMIM 135150.
Hereditary cancer-predisposing syndrome. Also called: Hereditary Cancer Syndrome; Neoplastic Syndromes, Hereditary; Hereditary neoplastic syndrome; Tumor predisposition. Identifiers: Orphanet 140162, MedGen C0027672, MeSH D009386, MONDO:0015356.
Birt-Hogg-Dube syndrome. Also called: Birt Hogg Dubé syndrome. Identifiers: Orphanet 122, MedGen C0346010, MONDO:0800444.

Allele frequency attached by ClinVar (database versions not stated): gnomAD exomes below 0.00001; TOPMed below 0.00001.
gnomAD v4.1: 1 of 1,614,188 alleles (0.000062%); highest among the groups gnomAD compares: Non-Finnish European, 0.000085%; no homozygotes.

Submissions (4):

Labcorp Genetics (formerly Invitae), Labcorp
Classification: Likely benign for Birt-Hogg-Dube syndrome. Last evaluated: 2025-09-23. Review status: criteria provided, single submitter. Criteria: Invitae Variant Classification Sherloc (09022015). Collection method: clinical testing. Allele origin: germline.

Myriad Genetics, Inc.
Classification: Benign for Birt-Hogg-Dube syndrome 1. Last evaluated: 2024-10-25. Review status: criteria provided, single submitter. Criteria: Myriad Autosomal Dominant, Autosomal Recessive and X-Linked Classification Criteria (2023). Collection method: clinical testing. Allele origin: unknown.
Comment: This variant is considered benign. This variant is a silent/synonymous amino acid change and it is not expected to impact splicing.

Department of Pathology and Laboratory Medicine, Sinai Health System
Classification: Likely benign for Birt-Hogg-Dube syndrome 1. Last evaluated: 2022-06-16. Review status: criteria provided, single submitter. Criteria: ACMG Guidelines, 2015. Collection method: clinical testing. Allele origin: germline. Affected: yes.

Ambry Genetics
Classification: Likely benign for Hereditary cancer-predisposing syndrome. Last evaluated: 2019-07-16. Review status: criteria provided, single submitter. Criteria: Ambry Variant Classification Scheme 2023. Collection method: clinical testing. Allele origin: germline.

NM_144997.7(FLCN):c.1515C>T (p.Val505=)

Gene: FLCN (folliculin; minus strand). Cytogenetic location: 17p11.2.
Variant type: single nucleotide variant.
Coding change: c.1515C>T on transcript NM_144997.7 (MANE Select); coding-DNA position 1515, C replaced by T.
Protein change: p.Val505=; no amino-acid change (valine 505 retained).
Molecular consequence: synonymous variant.
Genome position (GRCh38, 1-based): chr17:17,215,008, G>A on the plus strand (C>T on the coding strand, the complement: FLCN is on the minus strand). VCF-style: chr17-17215008-G-A. GRCh37 (hg19) VCF-style: chr17-17118322-G-A.
Other names: c.1569C>T, p.Val523= (NM_001353229.2); c.1515C>T, p.Val505= (NM_001353230.2, NM_001353231.2).
Identifiers: ClinVar variation 819372 (VCV000819372.13), dbSNP rs1388452217, ClinGen allele CA498421018.